The following is an entry in ClinVar:

NM_206933.4(USH2A):c.3386del (p.Asn1129fs)

Genes: USH2A (usherin; minus strand), USH2A-AS1 (USH2A antisense RNA 1; plus strand). Cytogenetic location: 1q41.
Variant type: Deletion.
Coding change: c.3386del on transcript NM_206933.4 (MANE Select); coding-DNA position 3386, one base deleted (A; older notation c.3386delA).
Protein change: p.Asn1129fs; shifts the reading frame from asparagine 1129.
Molecular consequence: frameshift variant.
Genome position (GRCh38, 1-based): chr1:216,200,052, T deleted on the plus strand (A on the coding strand, the reverse complement: USH2A is on the minus strand); the first of 2 consecutive T bases (chr1:216,200,052-216,200,053); deleting either gives the same sequence. VCF-style (leftmost placement, unchanged base first): chr1-216200051-AT-A. GRCh37 (hg19) VCF-style: chr1-216373393-AT-A.
Other names: c.3386del, p.Asn1129fs (NM_007123.6); short protein forms N1129fs.
Identifiers: ClinVar variation 4817115 (VCV004817115.1).

ClinVar aggregate classification (germline): Likely pathogenic (1 of 4 stars; one submission).

Conditions:
Usher syndrome type 2A. Also called: RETINAL DISEASE IN USHER SYNDROME TYPE IIA, MODIFIER OF; USHER SYNDROME, TYPE IIA. Identifiers: Orphanet 231178, Orphanet 886, MedGen C1848634, MONDO:0010169, OMIM 276901.

Submission:

Natera, Inc.
Classification: Likely pathogenic for Usher syndrome type 2A. Last evaluated: 2025-11-10. Review status: criteria provided, single submitter. Criteria: Natera Variant Classification Schema (03/2026). Collection method: clinical testing. Allele origin: germline.
Comment: The c.3386delA variant in USH2A is a frameshift variant predicted to shift the reading frame beginning at codon 1129 and leads to a stop codon 9 codons downstream. This variant may result in a truncated or dysfunctional protein product. This variant is rare in the general population with a frequency below the threshold expected for the associated phenotype(s). Given the available evidence, this variant is classified as Likely Pathogenic.